The following is an entry in ClinVar:

NM_015650.4(TRAF3IP1):c.345del (p.Leu116fs)

Gene: TRAF3IP1 (TRAF3 interacting protein 1; plus strand). Cytogenetic location: 2q37.3.
Variant type: Deletion.
Coding change: c.345del on transcript NM_015650.4 (MANE Select); coding-DNA position 345, one base deleted (T; older notation c.345delT).
Protein change: p.Leu116fs; shifts the reading frame from leucine 116.
Molecular consequence: frameshift variant.
Genome position (GRCh38, 1-based): chr2:238,325,961, T deleted. VCF-style (leftmost placement, unchanged base first): chr2-238325960-GT-G. GRCh37 (hg19) VCF-style: chr2-239234601-GT-G.
Other names: c.345del, p.Leu116fs (NM_001139490.1); short protein forms L116fs.
Identifiers: ClinVar variation 4691621 (VCV004691621.1).
Genomic context (GRCh38, chr2:238,325,960, plus strand): 5'-TCGTGGCGGGGCATGAGCCTGAAAGAACAAACGAGCTGCTCCAGATAATTGGAAAATGCT[GT>G]CTCAACAAGGTACTACTGCTGTCCTGGCATTTTGAACTTACTTAGTACTTGAGTAAAAAG-3'

ClinVar aggregate classification (germline): Pathogenic (1 of 4 stars; one submission).

Submission:

Labcorp Genetics (formerly Invitae), Labcorp
Classification: Pathogenic. Last evaluated: 2025-02-13. Review status: criteria provided, single submitter. Criteria: Invitae Variant Classification Sherloc (09022015). Collection method: clinical testing. Allele origin: germline.
Comment: This sequence change creates a premature translational stop signal (p.Leu116Serfs*14) in the TRAF3IP1 gene. It is expected to result in an absent or disrupted protein product. Loss-of-function variants in TRAF3IP1 are known to be pathogenic (PMID: 21945076, 26487268, 29068549). This variant is not present in population databases (gnomAD no frequency). This variant has not been reported in the literature in individuals affected with TRAF3IP1-related conditions. For these reasons, this variant has been classified as Pathogenic.

Literature cited by the submitters: PubMed 21945076; PubMed 26487268; PubMed 29068549.